The following is an entry in ClinVar:

NM_172364.5(CACNA2D4):c.3131A>G (p.Gln1044Arg)

Gene: CACNA2D4 (calcium voltage-gated channel auxiliary subunit alpha2delta 4; minus strand). Cytogenetic location: 12p13.33.
Variant type: single nucleotide variant.
Coding change: c.3131A>G on transcript NM_172364.5 (MANE Select); coding-DNA position 3131, A replaced by G.
Protein change: p.Gln1044Arg; replaces glutamine 1044 with arginine.
Molecular consequence: missense variant.
Genome position (GRCh38, 1-based): chr12:1,795,763, T>C on the plus strand (A>G on the coding strand, the complement: CACNA2D4 is on the minus strand). VCF-style: chr12-1795763-T-C. GRCh37 (hg19) VCF-style: chr12-1904929-T-C.
Other names: short protein forms Q1044R.
Identifiers: ClinVar variation 4761884 (VCV004761884.1).

ClinVar aggregate classification (germline): Uncertain significance (1 of 4 stars; one submission).

Submission:

Labcorp Genetics (formerly Invitae), Labcorp
Classification: Uncertain significance. Last evaluated: 2025-05-19. Review status: criteria provided, single submitter. Criteria: Invitae Variant Classification Sherloc (09022015). Collection method: clinical testing. Allele origin: germline.
Comment: This sequence change replaces glutamine, which is neutral and polar, with arginine, which is basic and polar, at codon 1044 of the CACNA2D4 protein (p.Gln1044Arg). This variant is not present in population databases (gnomAD no frequency). This variant has not been reported in the literature in individuals affected with CACNA2D4-related conditions. An algorithm developed to predict the effect of missense changes on protein structure and function (PolyPhen-2) suggests that this variant is likely to be tolerated. In summary, the available evidence is currently insufficient to determine the role of this variant in disease. Therefore, it has been classified as a Variant of Uncertain Significance.